The following is an entry in ClinVar:

ClinVar aggregate classification (germline): Uncertain significance (1 of 4 stars; one submission).

gnomAD v4.1: 2 of 1,555,088 alleles (0.00013%); no homozygotes.

Submission:

Labcorp Genetics (formerly Invitae), Labcorp
Classification: Uncertain significance. Last evaluated: 2023-12-22. Review status: criteria provided, single submitter. Criteria: Invitae Variant Classification Sherloc (09022015). Collection method: clinical testing. Allele origin: germline.
Comment: This sequence change replaces glycine, which is neutral and non-polar, with arginine, which is basic and polar, at codon 90 of the POC5 protein (p.Gly90Arg). This variant is not present in population databases (gnomAD no frequency). This variant has not been reported in the literature in individuals affected with POC5-related conditions. Algorithms developed to predict the effect of missense changes on protein structure and function output the following: SIFT: "Not Available"; PolyPhen-2: "Probably Damaging"; Align-GVGD: "Not Available". The arginine amino acid residue is found in multiple mammalian species, which suggests that this missense change does not adversely affect protein function. In summary, the available evidence is currently insufficient to determine the role of this variant in disease. Therefore, it has been classified as a Variant of Uncertain Significance.

NM_001099271.2(POC5):c.268G>A (p.Gly90Arg)

Gene: POC5 (POC5 centriolar protein; minus strand). Cytogenetic location: 5q13.3.
Variant type: single nucleotide variant.
Coding change: c.268G>A on transcript NM_001099271.2 (MANE Select); coding-DNA position 268, G replaced by A.
Protein change: p.Gly90Arg; replaces glycine 90 with arginine.
Molecular consequence: missense variant.
Genome position (GRCh38, 1-based): chr5:75,705,743, C>T on the plus strand (G>A on the coding strand, the complement: POC5 is on the minus strand). VCF-style: chr5-75705743-C-T. GRCh37 (hg19) VCF-style: chr5-75001568-C-T.
Other names: c.193G>A, p.Gly65Arg (NM_152408.3); short protein forms G90R, G65R.
Identifiers: ClinVar variation 2704879 (VCV002704879.3), dbSNP rs868702658, ClinGen allele CA360150260.
Genomic context (GRCh38, chr5:75,705,743, plus strand): 5'-TAAGCTAAAGAAAAATCATACCATCTGTCTTTGAATGACTTGAAATATGGAAATCACATC[C>T]TTTTCCAACTTCTATTGCAGTTTCTCTTACTTCAGAGTTATTTCCTGCCAAAAAGAAAGC-3'
Protein context (NP_001092741.1, residues 80-100): VRETAIEVGK[Gly90Arg]CDFHISSHSK